The following is an entry in ClinVar:

ClinVar aggregate classification (germline): Conflicting classifications of pathogenicity. Review status: criteria provided, conflicting classifications (1 of 4 stars). 2 submissions from 2 submitters: Pathogenic (1); Uncertain significance (1). Last evaluated 2026-04-30.

Conditions:
Glycine encephalopathy 1 (GCE1). Identifiers: MedGen CN376801, MONDO:0958179, OMIM 605899.
Glycine encephalopathy. Also called: Nonketotic hyperglycinemia; Non-ketotic hyperglycinemia. Identifiers: Orphanet 407, MedGen C0751748, MONDO:0011612, HP:0008288.

Allele frequency attached by ClinVar (database versions not stated): gnomAD exomes below 0.00001.
gnomAD v4.1: 2 of 1,613,970 alleles (0.00012%); highest among the groups gnomAD compares: South Asian, 0.0022%; no homozygotes.

Submissions (2):

Myriad Genetics, Inc.
Classification: Uncertain significance for Glycine encephalopathy 1. Last evaluated: 2026-04-30. Review status: criteria provided, single submitter. Criteria: Myriad Autosomal Dominant, Autosomal Recessive and X-Linked Classification Criteria (2023). Collection method: clinical testing. Allele origin: unknown.
Comment: NM_000170.2(GLDC):c.490T>C(Y164H) is a missense variant classified as a variant of uncertain significance in the context of glycine encephalopathy, GLDC-related. Y164H has been observed in a case with relevant disease (PMID: 28325525). Relevant functional assessments of this variant are not available in the literature. Y164H has not been observed in referenced population frequency databases. In summary, there is insufficient evidence to classify NM_000170.2(GLDC):c.490T>C(Y164H) as pathogenic or benign. Please note: this variant was assessed in the context of healthy population screening.

Labcorp Genetics (formerly Invitae), Labcorp
Classification: Pathogenic for Glycine encephalopathy. Last evaluated: 2022-11-30. Review status: criteria provided, single submitter. Criteria: Invitae Variant Classification Sherloc (09022015). Collection method: clinical testing. Allele origin: germline.
Comment: This missense change has been observed in individual(s) with glycine encephalopathy (PMID: 28325525). It has also been observed to segregate with disease in related individuals. This variant is not present in population databases (gnomAD no frequency). This sequence change replaces tyrosine, which is neutral and polar, with histidine, which is basic and polar, at codon 164 of the GLDC protein (p.Tyr164His). For these reasons, this variant has been classified as Pathogenic. Advanced modeling of protein sequence and biophysical properties (such as structural, functional, and spatial information, amino acid conservation, physicochemical variation, residue mobility, and thermodynamic stability) performed at Invitae indicates that this missense variant is expected to disrupt GLDC protein function.

Literature cited by the submitters: PubMed 28325525 (cited by Myriad Genetics, Inc. and Labcorp Genetics (formerly Invitae), Labcorp).

NM_000170.3(GLDC):c.490T>C (p.Tyr164His)

Gene: GLDC (glycine decarboxylase; minus strand). Cytogenetic location: 9p24.1.
Variant type: single nucleotide variant.
Coding change: c.490T>C on transcript NM_000170.3 (MANE Select); coding-DNA position 490, T replaced by C.
Protein change: p.Tyr164His; replaces tyrosine 164 with histidine.
Molecular consequence: missense variant.
Genome position (GRCh38, 1-based): chr9:6,610,337, A>G on the plus strand (T>C on the coding strand, the complement: GLDC is on the minus strand). VCF-style: chr9-6610337-A-G. GRCh37 (hg19) VCF-style: chr9-6610337-A-G.
Other names: short protein forms Y164H.
Identifiers: ClinVar variation 2735258 (VCV002735258.4), dbSNP rs2489111109, ClinGen allele CA372898626.
Genomic context (GRCh38, chr9:6,610,337, plus strand): 5'-ACACCATGGTCTGGTAGTTGAGTAAACTCTCCAGCCTCCCCTGAGACACCTCAGGCTGGT[A>G]TGGAGTATACTGGGTGATCCTGCAAGGGAAACAAAAGGTCTTGTCCAAACTGACTGCTGT-3'
Protein context (NP_000161.2, residues 154-174): NSGWITQYTP[Tyr164His]QPEVSQGRLE